The following is an entry in ClinVar:

NM_001282933.2(ZNF341):c.1294A>G (p.Lys432Glu)

Gene: ZNF341 (zinc finger protein 341; plus strand). Cytogenetic location: 20q11.22.
Variant type: single nucleotide variant.
Coding change: c.1294A>G on transcript NM_001282933.2 (MANE Select); coding-DNA position 1294, A replaced by G.
Protein change: p.Lys432Glu; replaces lysine 432 with glutamic acid.
Molecular consequence: missense variant. On other transcripts: non-coding transcript variant (1).
Genome position (GRCh38, 1-based): chr20:33,766,922, A>G. VCF-style: chr20-33766922-A-G. GRCh37 (hg19) VCF-style: chr20-32354728-A-G.
Other names: c.1024A>G, p.Lys342Glu (NM_001282935.2); c.1273A>G, p.Lys425Glu (NM_032819.5); short protein forms K425E, K342E, K432E.
Identifiers: ClinVar variation 1504420 (VCV001504420.5), dbSNP rs2122698049, ClinGen allele CA408656600.

ClinVar aggregate classification (germline): Uncertain significance (1 of 4 stars; one submission).

Allele frequency attached by ClinVar (database versions not stated): gnomAD exomes below 0.00001.
gnomAD v4.1: 1 of 1,614,184 alleles (0.000062%); highest among the groups gnomAD compares: Non-Finnish European, 0.000085%; no homozygotes.

Submission:

Labcorp Genetics (formerly Invitae), Labcorp
Classification: Uncertain significance. Last evaluated: 2021-09-10. Review status: criteria provided, single submitter. Criteria: Invitae Variant Classification Sherloc (09022015). Collection method: clinical testing. Allele origin: germline.
Comment: This sequence change replaces lysine with glutamic acid at codon 425 of the ZNF341 protein (p.Lys425Glu). The lysine residue is moderately conserved and there is a small physicochemical difference between lysine and glutamic acid. This variant is not present in population databases (ExAC no frequency). This variant has not been reported in the literature in individuals affected with ZNF341-related conditions. Algorithms developed to predict the effect of missense changes on protein structure and function output the following: SIFT: "Tolerated"; PolyPhen-2: "Benign"; Align-GVGD: "Class C0". The glutamic acid amino acid residue is found in multiple mammalian species, which suggests that this missense change does not adversely affect protein function. In summary, the available evidence is currently insufficient to determine the role of this variant in disease. Therefore, it has been classified as a Variant of Uncertain Significance.